The following is an entry in ClinVar:

ClinVar aggregate classification (germline): Uncertain significance (1 of 4 stars; one submission).

Conditions:
Inborn genetic diseases. Identifiers: MedGen C0950123, MeSH D030342.

Submission:

Ambry Genetics
Classification: Uncertain significance for Inborn genetic diseases. Last evaluated: 2026-08-31. Review status: criteria provided, single submitter. Criteria: Ambry Variant Classification Scheme 2023. Collection method: clinical testing. Allele origin: germline.
Comment: The p.P384R variant (also known as c.1151C>G), located in coding exon 10 of the FANCG gene, results from a C to G substitution at nucleotide position 1151. The proline at codon 384 is replaced by arginine, an amino acid with dissimilar properties. This amino acid position is conserved. In addition, this alteration is predicted to be tolerated by in silico analysis. Based on the available evidence, the clinical significance of this variant remains unclear.

NM_004629.2(FANCG):c.1151C>G (p.Pro384Arg)

Gene: FANCG (FA complementation group G; minus strand). Cytogenetic location: 9p13.3.
Variant type: single nucleotide variant.
Coding change: c.1151C>G on transcript NM_004629.2 (MANE Select); coding-DNA position 1151, C replaced by G.
Protein change: p.Pro384Arg; replaces proline 384 with arginine.
Molecular consequence: missense variant.
Genome position (GRCh38, 1-based): chr9:35,075,747, G>C on the plus strand (C>G on the coding strand, the complement: FANCG is on the minus strand). VCF-style: chr9-35075747-G-C. GRCh37 (hg19) VCF-style: chr9-35075744-G-C.
Other names: short protein forms P384R.
Identifiers: ClinVar variation 5036543 (VCV005036543.1).